The following is an entry in ClinVar:

ClinVar aggregate classification (germline): Likely benign (1 of 4 stars; one submission).

Submission:

CeGaT Center for Human Genetics Tuebingen
Classification: Likely benign. Last evaluated: 2025-03-01. Review status: criteria provided, single submitter. Criteria: CeGaT Center For Human Genetics Tuebingen Variant Classification Criteria Version 2. Collection method: clinical testing. Allele origin: germline. Affected: yes. Observed: 2 variant alleles.
Comment: POLR2A: BP4, BP7

NM_000937.5(POLR2A):c.2208G>A (p.Thr736=)

Gene: POLR2A (RNA polymerase II subunit A; plus strand). Cytogenetic location: 17p13.1.
Variant type: single nucleotide variant.
Coding change: c.2208G>A on transcript NM_000937.5 (MANE Select); coding-DNA position 2208, G replaced by A.
Protein change: p.Thr736=; no amino-acid change (threonine 736 retained).
Molecular consequence: synonymous variant.
Genome position (GRCh38, 1-based): chr17:7,501,588, G>A. VCF-style: chr17-7501588-G-A. GRCh37 (hg19) VCF-style: chr17-7404907-G-A.
Identifiers: ClinVar variation 3389264 (VCV003389264.14).